The following is an entry in ClinVar:

NM_001999.4(FBN2):c.7205G>A (p.Arg2402His)

Gene: FBN2 (fibrillin 2; minus strand). Cytogenetic location: 5q23.3.
Variant type: single nucleotide variant.
Coding change: c.7205G>A on transcript NM_001999.4 (MANE Select); coding-DNA position 7205, G replaced by A.
Protein change: p.Arg2402His; replaces arginine 2402 with histidine.
Molecular consequence: missense variant.
Genome position (GRCh38, 1-based): chr5:128,278,775, C>T on the plus strand (G>A on the coding strand, the complement: FBN2 is on the minus strand). VCF-style: chr5-128278775-C-T. GRCh37 (hg19) VCF-style: chr5-127614467-C-T.
Other names: short protein forms R2402H.
Identifiers: ClinVar variation 211000 (VCV000211000.24), dbSNP rs148014419, ClinGen allele CA319691.

ClinVar aggregate classification (germline): Conflicting classifications of pathogenicity. Review status: criteria provided, conflicting classifications (1 of 4 stars). 5 submissions from 5 submitters: Uncertain significance (1); Likely benign (3). 1 of the submissions does not count toward it. Last evaluated 2026-01-02.

Conditions:
FBN2-related disorder. Also called: FBN2-related condition.
Familial thoracic aortic aneurysm and aortic dissection (TAAD). Also called: Thoracic aortic aneurysms and dissections. Identifiers: Orphanet 91387, MedGen C4707243, MONDO:0019625.
Congenital contractural arachnodactyly (CCA). Also called: BEALS SYNDROME; Beals-Hecht syndrome; Arthrogryposis, distal, type 9. Identifiers: Orphanet 115, MedGen C0220668, MONDO:0007363, OMIM 121050.

Allele frequency attached by ClinVar (database versions not stated): gnomAD 0.00030 and 0.00033; TOPMed 0.00039; ESP Exome Variant Server 0.00038.
gnomAD v4.1: 169 of 1,614,062 alleles (0.01%); highest among the groups gnomAD compares: African/African-American, 0.15%; no homozygotes.

Submissions (5):

Labcorp Genetics (formerly Invitae), Labcorp
Classification: Likely benign for Congenital contractural arachnodactyly. Last evaluated: 2026-01-02. Review status: criteria provided, single submitter. Criteria: Invitae Variant Classification Sherloc (09022015). Collection method: clinical testing. Allele origin: germline.

GeneDx
Classification: Likely benign. Last evaluated: 2021-02-23. Review status: criteria provided, single submitter. Criteria: GeneDx Variant Classification Process June 2021. Collection method: clinical testing. Allele origin: germline. Affected: yes.

Ambry Genetics
Classification: Likely benign for Familial thoracic aortic aneurysm and aortic dissection. Last evaluated: 2020-08-17. Review status: criteria provided, single submitter. Criteria: Ambry Variant Classification Scheme 2023. Collection method: clinical testing. Allele origin: germline.

Genetic Services Laboratory, University of Chicago
Classification: Uncertain significance. Last evaluated: 2014-10-27. Review status: criteria provided, single submitter. Criteria: ACMG Guidelines, 2015. Collection method: clinical testing. Allele origin: germline.

PreventionGenetics, part of Exact Sciences
Classification: Likely benign for FBN2-related condition. Last evaluated: 2024-08-13. Review status: no assertion criteria provided. Collection method: clinical testing. Allele origin: germline. Not counted in ClinVar's aggregate classification.
Comment: This variant is classified as likely benign based on ACMG/AMP sequence variant interpretation guidelines (Richards et al. 2015 PMID: 25741868, with internal and published modifications).